The following is an entry in ClinVar:

NM_003839.4(TNFRSF11A):c.850G>A (p.Gly284Ser)

Gene: TNFRSF11A (TNF receptor superfamily member 11a; plus strand). Cytogenetic location: 18q21.33.
Variant type: single nucleotide variant.
Coding change: c.850G>A on transcript NM_003839.4 (MANE Select); coding-DNA position 850, G replaced by A.
Protein change: p.Gly284Ser; replaces glycine 284 with serine.
Molecular consequence: missense variant. On other transcripts: intron variant (3).
Genome position (GRCh38, 1-based): chr18:62,368,767, G>A. VCF-style: chr18-62368767-G-A. GRCh37 (hg19) VCF-style: chr18-60036000-G-A.
Other names: c.808G>A, p.Gly270Ser (NM_001278268.2); c.783+2007G>A (NM_001270949.2); c.730+6974G>A (NM_001270950.2); c.616+8718G>A (NM_001270951.2); short protein forms G284S, G270S.
Identifiers: ClinVar variation 1953748 (VCV001953748.5), dbSNP rs12721431, ClinGen allele CA301703923.

ClinVar aggregate classification (germline): Uncertain significance (1 of 4 stars; one submission).

Allele frequency attached by ClinVar (database versions not stated): gnomAD 0.00001.
gnomAD v4.1: 9 of 1,614,098 alleles (0.00056%); highest among the groups gnomAD compares: Non-Finnish European, 0.00076%; no homozygotes.

Submission:

Labcorp Genetics (formerly Invitae), Labcorp
Classification: Uncertain significance. Last evaluated: 2022-02-13. Review status: criteria provided, single submitter. Criteria: Invitae Variant Classification Sherloc (09022015). Collection method: clinical testing. Allele origin: germline.
Comment: In summary, the available evidence is currently insufficient to determine the role of this variant in disease. Therefore, it has been classified as a Variant of Uncertain Significance. Algorithms developed to predict the effect of missense changes on protein structure and function output the following: SIFT: "Tolerated"; PolyPhen-2: "Benign"; Align-GVGD: "Class C0". The serine amino acid residue is found in multiple mammalian species, which suggests that this missense change does not adversely affect protein function. This variant has not been reported in the literature in individuals affected with TNFRSF11A-related conditions. This variant is not present in population databases (gnomAD no frequency). This sequence change replaces glycine, which is neutral and non-polar, with serine, which is neutral and polar, at codon 284 of the TNFRSF11A protein (p.Gly284Ser).